The following is an entry in ClinVar:

ClinVar aggregate classification (germline): Uncertain significance (1 of 4 stars; one submission).

Conditions:
Inborn genetic diseases. Identifiers: MedGen C0950123, MeSH D030342.

gnomAD v4.1: 2 of 1,609,644 alleles (0.00012%); highest among the groups gnomAD compares: Non-Finnish European, 0.00017%; no homozygotes.

Submission:

Ambry Genetics
Classification: Uncertain significance for Inborn genetic diseases. Last evaluated: 2024-04-09. Review status: criteria provided, single submitter. Criteria: Ambry Variant Classification Scheme 2023. Collection method: clinical testing. Allele origin: germline.
Comment: The p.I1427V variant (also known as c.4279A>G), located in coding exon 24 of the ATR gene, results from an A to G substitution at nucleotide position 4279. The isoleucine at codon 1427 is replaced by valine, an amino acid with highly similar properties. This amino acid position is conserved. In addition, this alteration is predicted to be tolerated by in silico analysis. Based on the available evidence, the clinical significance of this variant remains unclear.

NM_001184.4(ATR):c.4279A>G (p.Ile1427Val)

Gene: ATR (ATR serine/threonine kinase; minus strand). Cytogenetic location: 3q23.
Variant type: single nucleotide variant.
Coding change: c.4279A>G on transcript NM_001184.4 (MANE Select); coding-DNA position 4279, A replaced by G.
Protein change: p.Ile1427Val; replaces isoleucine 1427 with valine.
Molecular consequence: missense variant.
Genome position (GRCh38, 1-based): chr3:142,519,772, T>C on the plus strand (A>G on the coding strand, the complement: ATR is on the minus strand). VCF-style: chr3-142519772-T-C. GRCh37 (hg19) VCF-style: chr3-142238614-T-C.
Other names: c.4087A>G, p.Ile1363Val (NM_001354579.2); short protein forms I1363V, I1427V.
Identifiers: ClinVar variation 3331089 (VCV003331089.1).